The following is an entry in ClinVar:

NM_014908.4(DOLK):c.302C>T (p.Thr101Ile)

Gene: DOLK (dolichol kinase; minus strand). Cytogenetic location: 9q34.11.
Variant type: single nucleotide variant.
Coding change: c.302C>T on transcript NM_014908.4 (MANE Select); coding-DNA position 302, C replaced by T.
Protein change: p.Thr101Ile; replaces threonine 101 with isoleucine.
Molecular consequence: missense variant.
Genome position (GRCh38, 1-based): chr9:128,947,002, G>A on the plus strand (C>T on the coding strand, the complement: DOLK is on the minus strand). VCF-style: chr9-128947002-G-A. GRCh37 (hg19) VCF-style: chr9-131709281-G-A.
Other names: short protein forms T101I.
Identifiers: ClinVar variation 1349709 (VCV001349709.9), dbSNP rs1192393606, ClinGen allele CA375126782.

ClinVar aggregate classification (germline): Uncertain significance. Review status: criteria provided, multiple submitters, no conflicts (2 of 4 stars). 2 submissions from 2 submitters: Uncertain significance (2). Last evaluated 2024-08-02.

Conditions:
DK1-congenital disorder of glycosylation. Also called: CONGENITAL DISORDER OF GLYCOSYLATION, TYPE Im; DOLK-congenital disorder of glycosylation; Carbohydrate deficient glycoprotein syndrome type 1m; DK1 DEFICIENCY; DOLICHOL KINASE DEFICIENCY; DK1-CDG. Identifiers: Orphanet 91131, MedGen C1835849, MONDO:0012556, OMIM 610768.

Allele frequency attached by ClinVar (database versions not stated): gnomAD exomes below 0.00001.
gnomAD v4.1: 1 of 1,610,270 alleles (0.000062%); highest among the groups gnomAD compares: Admixed American, 0.0017%; no homozygotes.

Submissions (2):

ARUP Laboratories, Molecular Genetics and Genomics, ARUP Laboratories
Classification: Uncertain significance for DK1-congenital disorder of glycosylation. Last evaluated: 2024-08-02. Review status: criteria provided, single submitter. Criteria: ARUP Molecular Germline Variant Investigation Process 2024. Collection method: clinical testing. Allele origin: germline.
Comment: The DOLK c.302C>T; p.Thr101Ile variant (rs1192393606), to our knowledge, is not reported in the medical literature but is reported in ClinVar (Variation ID: 1349709). This variant is only found on one allele in the Genome Aggregation Database (v2.1.1), indicating it is not a common polymorphism. Computational analyses are uncertain whether this variant is neutral or deleterious (REVEL: 0.227). Due to limited information, the clinical significance of this variant is uncertain at this time.

Labcorp Genetics (formerly Invitae), Labcorp
Classification: Uncertain significance for DK1-congenital disorder of glycosylation. Last evaluated: 2021-04-28. Review status: criteria provided, single submitter. Criteria: Invitae Variant Classification Sherloc (09022015). Collection method: clinical testing. Allele origin: germline.
Comment: This variant has not been reported in the literature in individuals with DOLK-related conditions. This sequence change replaces threonine with isoleucine at codon 101 of the DOLK protein (p.Thr101Ile). The threonine residue is weakly conserved and there is a moderate physicochemical difference between threonine and isoleucine. This variant is not present in population databases (ExAC no frequency). Algorithms developed to predict the effect of missense changes on protein structure and function (SIFT, PolyPhen-2, Align-GVGD) all suggest that this variant is likely to be tolerated, but these predictions have not been confirmed by published functional studies and their clinical significance is uncertain. In summary, the available evidence is currently insufficient to determine the role of this variant in disease. Therefore, it has been classified as a Variant of Uncertain Significance.